The following is an entry in ClinVar:

ClinVar aggregate classification (germline): Uncertain significance (1 of 4 stars; one submission).

Allele frequency attached by ClinVar (database versions not stated): gnomAD exomes below 0.00001 and 0.00004; gnomAD 0.00001; TOPMed 0.00001.
gnomAD v4.1: 62 of 1,614,060 alleles (0.0038%); highest among the groups gnomAD compares: Non-Finnish European, 0.0049%; no homozygotes.

Submission:

Labcorp Genetics (formerly Invitae), Labcorp
Classification: Uncertain significance. Last evaluated: 2025-12-02. Review status: criteria provided, single submitter. Criteria: Invitae Variant Classification Sherloc (09022015). Collection method: clinical testing. Allele origin: germline.
Comment: This sequence change replaces leucine, which is neutral and non-polar, with proline, which is neutral and non-polar, at codon 1016 of the LRP5 protein (p.Leu1016Pro). This variant is present in population databases (rs775499713, gnomAD 0.0009%). This variant has not been reported in the literature in individuals affected with LRP5-related conditions. ClinVar contains an entry for this variant (Variation ID: 1489945). Invitae Evidence Modeling of protein sequence and biophysical properties (such as structural, functional, and spatial information, amino acid conservation, physicochemical variation, residue mobility, and thermodynamic stability) indicates that this missense variant is not expected to disrupt LRP5 protein function with a negative predictive value of 95%. In summary, the available evidence is currently insufficient to determine the role of this variant in disease. Therefore, it has been classified as a Variant of Uncertain Significance.

NM_002335.4(LRP5):c.3047T>C (p.Leu1016Pro)

Gene: LRP5 (LDL receptor related protein 5; plus strand). Cytogenetic location: 11q13.2.
Variant type: single nucleotide variant.
Coding change: c.3047T>C on transcript NM_002335.4 (MANE Select); coding-DNA position 3047, T replaced by C.
Protein change: p.Leu1016Pro; replaces leucine 1016 with proline.
Molecular consequence: missense variant.
Genome position (GRCh38, 1-based): chr11:68,423,508, T>C. VCF-style: chr11-68423508-T-C. GRCh37 (hg19) VCF-style: chr11-68190976-T-C.
Other names: c.1304T>C, p.Leu435Pro (NM_001291902.2); short protein forms L435P, L1016P.
Identifiers: ClinVar variation 1489945 (VCV001489945.6), dbSNP rs775499713, ClinGen allele CA224278015.
Genomic context (GRCh38, chr11:68,423,508, plus strand): 5'-CTCCGCCAGTGCTCAGGAGTCTTGGTTTCTTTGTCTTACAGCCCTTTGTTTTGACCTCTC[T>C]GAGCCAAGGCCAAAACCCAGACAGGCAGCCCCACGACCTCAGCATCGACATCTACAGCCG-3'
Protein context (NP_002326.2, residues 1006-1026): DGTQPFVLTS[Leu1016Pro]SQGQNPDRQP